The following is an entry in ClinVar:

NM_002227.4(JAK1):c.1540C>T (p.Arg514Cys)

Gene: JAK1 (Janus kinase 1; minus strand). Cytogenetic location: 1p31.3.
Variant type: single nucleotide variant.
Coding change: c.1540C>T on transcript NM_002227.4 (MANE Select); coding-DNA position 1540, C replaced by T.
Protein change: p.Arg514Cys; replaces arginine 514 with cysteine.
Molecular consequence: missense variant.
Genome position (GRCh38, 1-based): chr1:64,855,617, G>A on the plus strand (C>T on the coding strand, the complement: JAK1 is on the minus strand). VCF-style: chr1-64855617-G-A. GRCh37 (hg19) VCF-style: chr1-65321300-G-A.
Other names: c.1540C>T (NM_002227.2); c.1540C>T, p.Arg514Cys (NM_001320923.2, NM_001321852.2, NM_001321853.2 and 3 more transcripts); c.1537C>T, p.Arg513Cys (NM_001321857.2); short protein forms R513C, R514C.
Identifiers: ClinVar variation 1488670 (VCV001488670.33), dbSNP rs757281554, ClinGen allele CA892900.

ClinVar aggregate classification (germline): Uncertain significance. Review status: criteria provided, multiple submitters, no conflicts (2 of 4 stars). 3 submissions from 3 submitters: Uncertain significance (3). Last evaluated 2025-07-01.

Conditions:
Inborn genetic diseases. Identifiers: MedGen C0950123, MeSH D030342.

Allele frequency attached by ClinVar (database versions not stated): gnomAD 0.00001; gnomAD exomes 0.00001 and 0.00002; TOPMed 0.00003; ExAC 0.00004.
gnomAD v4.1: 22 of 1,613,962 alleles (0.0014%); highest among the groups gnomAD compares: Middle Eastern, 0.016%; no homozygotes.

Submissions (3):

Labcorp Genetics (formerly Invitae), Labcorp
Classification: Uncertain significance. Last evaluated: 2025-07-01. Review status: criteria provided, single submitter. Criteria: Invitae Variant Classification Sherloc (09022015). Collection method: clinical testing. Allele origin: germline.
Comment: This sequence change replaces arginine, which is basic and polar, with cysteine, which is neutral and slightly polar, at codon 514 of the JAK1 protein (p.Arg514Cys). This variant is present in population databases (rs757281554, gnomAD 0.004%). This variant has not been reported in the literature in individuals affected with JAK1-related conditions. ClinVar contains an entry for this variant (Variation ID: 1488670). Invitae Evidence Modeling of protein sequence and biophysical properties (such as structural, functional, and spatial information, amino acid conservation, physicochemical variation, residue mobility, and thermodynamic stability) indicates that this missense variant is not expected to disrupt JAK1 protein function with a negative predictive value of 80%. In summary, the available evidence is currently insufficient to determine the role of this variant in disease. Therefore, it has been classified as a Variant of Uncertain Significance.

Ambry Genetics
Classification: Uncertain significance for Inborn genetic diseases. Last evaluated: 2024-12-30. Review status: criteria provided, single submitter. Criteria: Ambry Variant Classification Scheme 2023. Collection method: clinical testing. Allele origin: germline.

CeGaT Center for Human Genetics Tuebingen
Classification: Uncertain significance. Last evaluated: 2022-07-01. Review status: criteria provided, single submitter. Criteria: CeGaT Center For Human Genetics Tuebingen Variant Classification Criteria Version 2. Collection method: clinical testing. Allele origin: germline. Affected: yes. Observed: 1 variant allele.
Comment: JAK1: PP2, BP4